The following is an entry in ClinVar:

NM_001211.6(BUB1B):c.159T>C (p.Asn53=)

Gene: BUB1B (BUB1 mitotic checkpoint serine/threonine kinase B; plus strand). Cytogenetic location: 15q15.1.
Variant type: single nucleotide variant.
Coding change: c.159T>C on transcript NM_001211.6 (MANE Select); coding-DNA position 159, T replaced by C.
Protein change: p.Asn53=; no amino-acid change (asparagine 53 retained).
Molecular consequence: synonymous variant.
Genome position (GRCh38, 1-based): chr15:40,165,176, T>C. VCF-style: chr15-40165176-T-C. GRCh37 (hg19) VCF-style: chr15-40457377-T-C.
Identifiers: ClinVar variation 1776116 (VCV001776116.11), dbSNP rs752026018, ClinGen allele CA7475358.

ClinVar aggregate classification (germline): Likely benign. Review status: criteria provided, multiple submitters, no conflicts (2 of 4 stars). 3 submissions from 3 submitters: Likely benign (3). Last evaluated 2026-06-01.

Conditions:
Inborn genetic diseases. Identifiers: MedGen C0950123, MeSH D030342.
Mosaic variegated aneuploidy syndrome 1 (MVA1). Also called: Warburton-Anyane-Yeboa syndrome. Identifiers: Orphanet 1052, MedGen C1850343, MONDO:0009759, OMIM 257300.

Allele frequency attached by ClinVar (database versions not stated): gnomAD 0.00001; gnomAD exomes 0.00001; TOPMed 0.00001; ExAC 0.00002.
gnomAD v4.1: 9 of 1,614,060 alleles (0.00056%); highest among the groups gnomAD compares: Admixed American, 0.015%; no homozygotes.

Submissions (3):

CeGaT Center for Human Genetics Tuebingen
Classification: Likely benign. Last evaluated: 2026-06-01. Review status: criteria provided, single submitter. Criteria: CeGaT Center For Human Genetics Tuebingen Variant Classification Criteria Version 2. Collection method: clinical testing. Allele origin: germline. Affected: yes. Observed: 1 variant allele.
Comment: BUB1B: BP4, BP7

Ambry Genetics
Classification: Likely benign for Inborn genetic diseases. Last evaluated: 2022-03-19. Review status: criteria provided, single submitter. Criteria: Ambry Variant Classification Scheme 2023. Collection method: clinical testing. Allele origin: germline.

Labcorp Genetics (formerly Invitae), Labcorp
Classification: Likely benign for Mosaic variegated aneuploidy syndrome 1. Last evaluated: 2022-02-09. Review status: criteria provided, single submitter. Criteria: Invitae Variant Classification Sherloc (09022015). Collection method: clinical testing. Allele origin: germline.